The following is an entry in ClinVar:

ClinVar aggregate classification (germline): Uncertain significance (1 of 4 stars; one submission).

Conditions:
3-Methylglutaconic aciduria type 2 (BTHS). Also called: CARDIOSKELETAL MYOPATHY WITH NEUTROPENIA AND ABNORMAL MITOCHONDRIA; Barth syndrome. Identifiers: Orphanet 111, MedGen C0574083, MONDO:0010543, OMIM 302060.

Submission:

Labcorp Genetics (formerly Invitae), Labcorp
Classification: Uncertain significance for 3-Methylglutaconic aciduria type 2. Last evaluated: 2022-08-23. Review status: criteria provided, single submitter. Criteria: Invitae Variant Classification Sherloc (09022015). Collection method: clinical testing. Allele origin: germline.
Comment: In summary, the available evidence is currently insufficient to determine the role of this variant in disease. Therefore, it has been classified as a Variant of Uncertain Significance. Algorithms developed to predict the effect of missense changes on protein structure and function are either unavailable or do not agree on the potential impact of this missense change (SIFT: "Not Available"; PolyPhen-2: "Benign"; Align-GVGD: "Not Available"). This variant has not been reported in the literature in individuals affected with TAZ-related conditions. This variant is not present in population databases (gnomAD no frequency). This sequence change replaces phenylalanine, which is neutral and non-polar, with isoleucine, which is neutral and non-polar, at codon 34 of the TAZ protein (p.Phe34Ile).

NM_000116.5(TAFAZZIN):c.100T>A (p.Phe34Ile)

Genes: DNASE1L1 (deoxyribonuclease 1 like 1; minus strand), TAFAZZIN (tafazzin, phospholipid-lysophospholipid transacylase; plus strand), LOC130068869 (ATAC-STARR-seq lymphoblastoid silent region 21101; plus strand). Cytogenetic location: Xq28.
Variant type: single nucleotide variant.
Coding change: c.100T>A on transcript NM_000116.5 (MANE Select); coding-DNA position 100, T replaced by A.
Protein change: p.Phe34Ile; replaces phenylalanine 34 with isoleucine.
Molecular consequence: missense variant. On other transcripts: 5 prime UTR variant (3), non-coding transcript variant (1).
Genome position (GRCh38, 1-based): chrX:154,411,943, T>A. VCF-style: chrX-154411943-T-A. GRCh37 (hg19) VCF-style: chrX-153640280-T-A.
Other names: c.-483A>T (NM_001009932.3); c.-225A>T (NM_001009933.3); c.-140A>T (NM_001009934.3); c.100T>A, p.Phe34Ile (NM_001303465.2, NM_001410698.1, NM_001440856.1 and 5 more transcripts); short protein forms F34I.
Identifiers: ClinVar variation 1938466 (VCV001938466.4), dbSNP rs2522920277, ClinGen allele CA415178613.